The following is an entry in ClinVar:

NM_000540.3(RYR1):c.3765+3A>G

Gene: RYR1 (ryanodine receptor 1; plus strand). Cytogenetic location: 19q13.2.
Variant type: single nucleotide variant.
Coding change: c.3765+3A>G on transcript NM_000540.3 (MANE Select); 3 bases into the intron after coding-DNA position 3765, A replaced by G.
Molecular consequence: intron variant.
Genome position (GRCh38, 1-based): chr19:38,469,516, A>G. VCF-style: chr19-38469516-A-G. GRCh37 (hg19) VCF-style: chr19-38960156-A-G.
Other names: c.3765+3A>G (NM_001042723.2).
Identifiers: ClinVar variation 3387691 (VCV003387691.2).

ClinVar aggregate classification (germline): Uncertain significance. Review status: criteria provided, multiple submitters, no conflicts (2 of 4 stars). 2 submissions from 2 submitters: Uncertain significance (2). Last evaluated 2024-04-25.

Conditions:
Malignant hyperthermia, susceptibility to, 1 (MHS1). Also called: Anesthesia related hyperthermia; Malignant hyperpyrexia; Fulminating hyperpyrexia; Pharmacogenic myopathy; RYR1-Related Malignant Hyperthermia Susceptibility; Malignant hyperthermia suceptibility 1. Identifiers: Orphanet 423, MedGen C2930980, MONDO:0007783, OMIM 145600.

gnomAD v4.1: 2 of 1,613,702 alleles (0.00012%); highest among the groups gnomAD compares: South Asian, 0.0011%; no homozygotes.

Submissions (2):

All of Us Research Program, National Institutes of Health
Classification: Uncertain significance for Malignant hyperthermia, susceptibility to, 1. Last evaluated: 2024-04-25. Review status: criteria provided, single submitter. Criteria: ACMG Guidelines, 2015. Collection method: clinical testing. Allele origin: germline. Inheritance: Autosomal dominant inheritance. Observed: 1 variant allele, 1 heterozygote.
Comment: This variant causes an A to G nucleotide substitution at the +3 position of intron 27 of the RYR1 gene. To our knowledge, functional studies have not been reported for this variant. This variant has not been reported in individuals affected with RYR1-related disorders in the literature. This variant has not been identified in the general population by the Genome Aggregation Database (gnomAD). The available evidence is insufficient to determine the role of this variant in disease conclusively. Therefore, this variant is classified as a Variant of Uncertain Significance.

This study involves interpretation of variants in research participants for the purpose of population health screening. Participant phenotype was not available at the time of variant classification. Additional details can be found in publication PMID: 35346344, PMCID: PMC8962531

Color Diagnostics, LLC DBA Color Health
Classification: Uncertain significance for Malignant hyperthermia, susceptibility to, 1. Last evaluated: 2024-04-17. Review status: criteria provided, single submitter. Criteria: ACMG Guidelines, 2015. Collection method: clinical testing. Allele origin: germline.
Comment: This variant causes an A to G nucleotide substitution at the +3 position of intron 27 of the RYR1 gene. To our knowledge, functional studies have not been reported for this variant. This variant has not been reported in individuals affected with RYR1-related disorders in the literature. This variant has not been identified in the general population by the Genome Aggregation Database (gnomAD). The available evidence is insufficient to determine the role of this variant in disease conclusively. Therefore, this variant is classified as a Variant of Uncertain Significance.